The following is an entry in ClinVar:

ClinVar aggregate classification (germline): Uncertain significance (1 of 4 stars; one submission).

gnomAD v4.1: 3 of 1,587,476 alleles (0.00019%); highest among the groups gnomAD compares: African/African-American, 0.004%; no homozygotes.

Submission:

Ambry Genetics
Classification: Uncertain significance. Last evaluated: 2024-12-07. Review status: criteria provided, single submitter. Criteria: Ambry Variant Classification Scheme 2023. Collection method: clinical testing. Allele origin: germline.
Comment: The p.H266N variant (also known as c.796C>A), located in coding exon 6 of the GEN1 gene, results from a C to A substitution at nucleotide position 796. The histidine at codon 266 is replaced by asparagine, an amino acid with similar properties. This amino acid position is conserved. In addition, this alteration is predicted to be tolerated by in silico analysis. Based on the available evidence, the clinical significance of this variant remains unclear.

NM_001130009.3(GEN1):c.796C>A (p.His266Asn)

Gene: GEN1 (GEN1 Holliday junction 5' flap endonuclease; plus strand). Cytogenetic location: 2p24.2.
Variant type: single nucleotide variant.
Coding change: c.796C>A on transcript NM_001130009.3 (MANE Select); coding-DNA position 796, C replaced by A.
Protein change: p.His266Asn; replaces histidine 266 with asparagine.
Molecular consequence: missense variant.
Genome position (GRCh38, 1-based): chr2:17,771,281, C>A. VCF-style: chr2-17771281-C-A. GRCh37 (hg19) VCF-style: chr2-17952548-C-A.
Other names: c.796C>A, p.His266Asn (NM_182625.5); short protein forms H266N.
Identifiers: ClinVar variation 3519772 (VCV003519772.1).